The following is an entry in ClinVar:

NM_001371904.1(APOA5):c.748C>A (p.Leu250Met)

Gene: APOA5 (apolipoprotein A5; minus strand). Cytogenetic location: 11q23.3.
Variant type: single nucleotide variant.
Coding change: c.748C>A on transcript NM_001371904.1 (MANE Select); coding-DNA position 748, C replaced by A.
Protein change: p.Leu250Met; replaces leucine 250 with methionine.
Molecular consequence: missense variant.
Genome position (GRCh38, 1-based): chr11:116,790,481, G>T on the plus strand (C>A on the coding strand, the complement: APOA5 is on the minus strand). VCF-style: chr11-116790481-G-T. GRCh37 (hg19) VCF-style: chr11-116661197-G-T.
Other names: c.748C>A, p.Leu250Met (NM_001166598.2, NM_052968.5); short protein forms L250M.
Identifiers: ClinVar variation 3228889 (VCV003228889.1), dbSNP rs772805108, ClinGen allele CA6289004.
Genomic context (GRCh38, chr11:116,790,481, plus strand): 5'-CCCCTTCCTCAGTCCCAGTGCCTGCAAAGGCTCTGCTGAGCTCTTCGCGCAGCTGGTCCA[G>T]GTTCTGCTGGATGCGTGCGTGCAGGGCCTTGGCCTTGAGCGTGAGCTTCCGGGAGAGCAC-3'
Protein context (NP_001358833.1, residues 240-260): KALHARIQQN[Leu250Met]DQLREELSRA

ClinVar aggregate classification (germline): Uncertain significance (1 of 4 stars; one submission).

Conditions:
Cardiovascular phenotype. Identifiers: MedGen CN230736.

Allele frequency attached by ClinVar (database versions not stated): TOPMed below 0.00001; gnomAD 0.00001; gnomAD exomes 0.00002; ExAC 0.00006.

Submission:

Ambry Genetics
Classification: Uncertain significance for Cardiovascular phenotype. Last evaluated: 2023-11-21. Review status: criteria provided, single submitter. Criteria: Ambry Variant Classification Scheme 2023. Collection method: clinical testing. Allele origin: germline.
Comment: The p.L250M variant (also known as c.748C>A), located in coding exon 3 of the APOA5 gene, results from a C to A substitution at nucleotide position 748. The leucine at codon 250 is replaced by methionine, an amino acid with highly similar properties. This amino acid position is conserved. In addition, the in silico prediction for this alteration is inconclusive. Since supporting evidence is limited at this time, the clinical significance of this alteration remains unclear.